The following is an entry in ClinVar:

ClinVar aggregate classification (germline): Uncertain significance (1 of 4 stars; one submission).

Conditions:
Primary ciliary dyskinesia. Also called: Ciliary dyskinesia. Identifiers: Orphanet 244, MedGen C0008780, MONDO:0016575, HP:0012265.
Spermatogenic failure 46. Identifiers: MedGen C5436799, MONDO:0033673, OMIM 619095.

Allele frequency attached by ClinVar (database versions not stated): gnomAD 0.00002 and 0.00007; gnomAD exomes 0.00004 and 0.00005; ExAC 0.00006; TOPMed 0.00006; ESP Exome Variant Server 0.00015; 1000 Genomes Project 30x 0.00094; 1000 Genomes Project 0.00120.
gnomAD v4.1: 86 of 1,613,968 alleles (0.0053%); highest among the groups gnomAD compares: African/African-American, 0.028%; 1 homozygote.

Submission:

Labcorp Genetics (formerly Invitae), Labcorp
Classification: Uncertain significance for Primary ciliary dyskinesia. Last evaluated: 2024-11-05. Review status: criteria provided, single submitter. Criteria: Invitae Variant Classification Sherloc (09022015). Collection method: clinical testing. Allele origin: germline.
Comment: This sequence change replaces arginine, which is basic and polar, with tryptophan, which is neutral and slightly polar, at codon 3635 of the DNAH8 protein (p.Arg3635Trp). This variant is present in population databases (rs149334389, gnomAD 0.02%). This variant has not been reported in the literature in individuals affected with DNAH8-related conditions. ClinVar contains an entry for this variant (Variation ID: 1408402). Invitae Evidence Modeling of protein sequence and biophysical properties (such as structural, functional, and spatial information, amino acid conservation, physicochemical variation, residue mobility, and thermodynamic stability) indicates that this missense variant is not expected to disrupt DNAH8 protein function with a negative predictive value of 80%. Algorithms developed to predict the effect of sequence changes on RNA splicing suggest that this variant may disrupt the consensus splice site. In summary, the available evidence is currently insufficient to determine the role of this variant in disease. Therefore, it has been classified as a Variant of Uncertain Significance.

NM_001206927.2(DNAH8):c.10903C>T (p.Arg3635Trp)

Genes: DNAH8 (dynein axonemal heavy chain 8; plus strand), DNAH8-AS1 (DNAH8 antisense RNA 1; minus strand). Cytogenetic location: 6p21.2.
Variant type: single nucleotide variant.
Coding change: c.10903C>T on transcript NM_001206927.2 (MANE Select); coding-DNA position 10903, C replaced by T.
Protein change: p.Arg3635Trp; replaces arginine 3635 with tryptophan.
Molecular consequence: missense variant.
Genome position (GRCh38, 1-based): chr6:38,924,103, C>T. VCF-style: chr6-38924103-C-T. GRCh37 (hg19) VCF-style: chr6-38891879-C-T.
Other names: c.10903C>T (NM_001206927.1); c.10252C>T, p.Arg3418Trp (NM_001371.4); short protein forms R3418W, R3635W.
Identifiers: ClinVar variation 1408402 (VCV001408402.6), dbSNP rs149334389, ClinGen allele CA3790861.